The following is an entry in ClinVar:

NM_004387.4(NKX2-5):c.492_494del (p.Ala165del)

Gene: NKX2-5 (NK2 homeobox 5; minus strand). Cytogenetic location: 5q35.1.
Variant type: Deletion.
Coding change: c.492_494del on transcript NM_004387.4 (MANE Select); coding-DNA positions 492 to 494, 3 bases deleted (GGC; older notation c.492_494delGGC).
Protein change: p.Ala165del; deletes alanine 165.
Molecular consequence: inframe deletion. On other transcripts: 3 prime UTR variant (2).
Genome position (GRCh38, 1-based): chr5:173,233,050-173,233,052, GCC deleted on the plus strand (GGC on the coding strand, the reverse complement: NKX2-5 is on the minus strand); deleting any 3 consecutive bases within chr5:173,233,050-173,233,053 gives the same sequence; the c. name uses the placement nearest the transcript's 3' end. VCF-style (leftmost placement, unchanged base first): chr5-173233049-GGCC-G. GRCh37 (hg19) VCF-style: chr5-172660052-GGCC-G.
Other names: c.*445_*447del (NM_001166175.2); c.*291_*293del (NM_001166176.2); short protein forms A165del.
Identifiers: ClinVar variation 2690912 (VCV002690912.1), dbSNP rs2480073115, ClinGen allele CA2697546581.

ClinVar aggregate classification (germline): Uncertain significance (1 of 4 stars; one submission).

Conditions:
Conotruncal heart malformations (CTHM). Also called: Conotruncal heart malformations, variable. Identifiers: Orphanet 2445, Orphanet 3384, Orphanet 3426, MedGen C1857586, MONDO:0016581, OMIM 217095.

Submission:

Johns Hopkins Genomics, Johns Hopkins University
Classification: Uncertain significance for Conotruncal heart malformations. Last evaluated: 2023-09-23. Review status: criteria provided, single submitter. Criteria: ACMG Guidelines, 2015. Collection method: clinical testing. Allele origin: germline.
Comment: This NKX2-5 variant is absent from a large population dataset and has not been reported in ClinVar nor the literature, to our knowledge. This variant causes a deletion of a single alanine residue at position 165 in the NKX2-5 protein, which is located in the homeodomain, but otherwise preserves the integrity of the reading frame. The alanine residue at this position is strongly conserved across the vertebrate species assessed. Bioinformatic analysis predicts that this non-frameshift variant would not affect normal exon 2 splicing, although this has not been confirmed experimentally to our knowledge. Due to insufficient evidence that this variant is deleterious, we consider the clinical significance of c.492_494del to be uncertain at this time.

Literature cited by the submitters: PubMed 10587520; PubMed 14607454; PubMed 15810002; PubMed 23661673; PubMed 26805889; PubMed 9651244.